The following is an entry in ClinVar:

NM_000138.5(FBN1):c.1169C>T (p.Ser390Phe)

Gene: FBN1 (fibrillin 1; minus strand). Cytogenetic location: 15q21.1.
Variant type: single nucleotide variant.
Coding change: c.1169C>T on transcript NM_000138.5 (MANE Select); coding-DNA position 1169, C replaced by T.
Protein change: p.Ser390Phe; replaces serine 390 with phenylalanine.
Molecular consequence: missense variant.
Genome position (GRCh38, 1-based): chr15:48,516,341, G>A on the plus strand (C>T on the coding strand, the complement: FBN1 is on the minus strand). VCF-style: chr15-48516341-G-A. GRCh37 (hg19) VCF-style: chr15-48808538-G-A.
Other names: short protein forms S390F.
Identifiers: ClinVar variation 549007 (VCV000549007.26), dbSNP rs746385384, ClinGen allele CA043917.

ClinVar aggregate classification (germline): Conflicting classifications of pathogenicity. Review status: criteria provided, conflicting classifications (1 of 4 stars). 7 submissions from 7 submitters: Uncertain significance (4); Likely benign (1). 2 of the submissions do not count toward it. Last evaluated 2025-12-21.

Conditions:
Familial thoracic aortic aneurysm and aortic dissection (TAAD). Also called: Thoracic aortic aneurysms and dissections. Identifiers: Orphanet 91387, MedGen C4707243, MONDO:0019625.
Marfan syndrome (MFS). Also called: Marfan syndrome type 1; Marfan syndrome, classic; Marfan's syndrome; FBN1-Related Marfan Syndrome; MARFAN SYNDROME, TYPE I. Identifiers: Orphanet 284963, Orphanet 558, MedGen C0024796, MONDO:0007947, OMIM 154700.

Allele frequency attached by ClinVar (database versions not stated): gnomAD exomes 0.00002 and 0.00007; TOPMed 0.00002; gnomAD 0.00001; ExAC 0.00004.
gnomAD v4.1: 102 of 1,613,720 alleles (0.0063%); highest among the groups gnomAD compares: Non-Finnish European, 0.0082%; no homozygotes.

Submissions (7):

Labcorp Genetics (formerly Invitae), Labcorp
Classification: Likely benign for Marfan syndrome; Familial thoracic aortic aneurysm and aortic dissection. Last evaluated: 2025-12-21. Review status: criteria provided, single submitter. Criteria: Invitae Variant Classification Sherloc (09022015). Collection method: clinical testing. Allele origin: germline.

ARUP Laboratories, Molecular Genetics and Genomics, ARUP Laboratories
Classification: Uncertain significance. Last evaluated: 2024-11-04. Review status: criteria provided, single submitter. Criteria: ARUP Molecular Germline Variant Investigation Process 2024. Collection method: clinical testing. Allele origin: germline.
Comment: The FBN1 c.1169C>T; p.Ser390Phe variant (rs746385384, ClinVar Variation ID: 549007) is reported in the medical literature in an individual with craniosynostosis (Clarke 2018). This variant is found in the non-Finnish European population with an allele frequency of 0.005% (6/112,904 alleles) in the Genome Aggregation Database (v2.1.1). RT-PCR and minigene assays demonstrated this variant did not affect splicing (Rowlands 2021, Wai 2020). Computational analyses are uncertain whether this variant is neutral or deleterious (REVEL: 0.376). However, given the limited clinical and functional data, the significance of this variant is uncertain at this time. References: Clarke CM et al. Single suture craniosynostosis: Identification of rare variants in genes associated with syndromic forms. Am J Med Genet A. 2018 Feb;176(2):290-300. PMID: 29168297. Rowlands C et al. Comparison of in silico strategies to prioritize rare genomic variants impacting RNA splicing for the diagnosis of genomic disorders. Sci Rep. 2021 Oct 18;11(1):20607. PMID: 34663891. Wai HA et al. Blood RNA analysis can increase clinical diagnostic rate and resolve variants of uncertain significance. Genet Med. 2020 Jun;22(6):1005-1014. PMID: 32123317.

All of Us Research Program, National Institutes of Health
Classification: Uncertain significance for Marfan syndrome. Last evaluated: 2024-08-29. Review status: criteria provided, single submitter. Criteria: ACMG Guidelines, 2015. Collection method: clinical testing. Allele origin: germline. Inheritance: Autosomal dominant inheritance. Observed: 12 variant alleles, 12 heterozygotes.
Comment: This missense variant replaces serine with phenylalanine at codon 390 of the FBN1 protein. Computational prediction suggests that this variant may not impact protein structure and function (internally defined REVEL score threshold <= 0.5, PMID: 27666373). Splice site prediction tools suggest that this variant may not impact RNA splicing. To our knowledge, functional studies have not been performed for this variant. This variant has not been reported in individuals affected with cardiovascular disorders in the literature. This variant has been identified in 6/250224 chromosomes in the general population by the Genome Aggregation Database (gnomAD). The available evidence is insufficient to determine the role of this variant in disease conclusively. Therefore, this variant is classified as a Variant of Uncertain Significance.

This study involves interpretation of variants in research participants for the purpose of population health screening. Participant phenotype was not available at the time of variant classification. Additional details can be found in publication PMID: 35346344, PMCID: PMC8962531

Ambry Genetics
Classification: Uncertain significance for Familial thoracic aortic aneurysm and aortic dissection. Last evaluated: 2024-08-15. Review status: criteria provided, single submitter. Criteria: Ambry Variant Classification Scheme 2023. Collection method: clinical testing. Allele origin: germline.
Comment: The p.S390F variant (also known as c.1169C>T), located in coding exon 10 of the FBN1 gene, results from a C to T substitution at nucleotide position 1169. The serine at codon 390 is replaced by phenylalanine, an amino acid with highly dissimilar properties. This amino acid position is well conserved in available vertebrate species. In addition, the in silico prediction for this alteration is inconclusive. Based on the available evidence, the clinical significance of this variant remains unclear.

Color Diagnostics, LLC DBA Color Health
Classification: Uncertain significance for Familial thoracic aortic aneurysm and aortic dissection. Last evaluated: 2024-02-16. Review status: criteria provided, single submitter. Criteria: ACMG Guidelines, 2015. Collection method: clinical testing. Allele origin: germline.
Comment: This missense variant replaces serine with phenylalanine at codon 390 of the FBN1 protein. Computational prediction suggests that this variant may not impact protein structure and function (internally defined REVEL score threshold <= 0.5, PMID: 27666373). To our knowledge, functional studies have not been reported for this variant. This variant has not been reported in individuals affected with FBN1-related disorders in the literature. This variant has been identified in 6/250224 chromosomes in the general population by the Genome Aggregation Database (gnomAD). The available evidence is insufficient to determine the role of this variant in disease conclusively. Therefore, this variant is classified as a Variant of Uncertain Significance.

Center for Medical Genetics Ghent, University of Ghent
Classification: Uncertain significance for Marfan syndrome. Last evaluated: 2017-11-07. Review status: no assertion criteria provided. Collection method: clinical testing. Allele origin: germline. Affected: yes. Not counted in ClinVar's aggregate classification.

Department of Pathology and Laboratory Medicine, Sinai Health System
Classification: Uncertain significance. Review status: no assertion criteria provided. Collection method: clinical testing. Allele origin: unknown. Affected: yes. Study: The Canadian Open Genetics Repository (COGR). Not counted in ClinVar's aggregate classification.
Comment: The FBN1 p.Ser390Phe variant was not identified in the literature nor was it identified in Cosmic or LOVD 3.0. The variant was identified in dbSNP (ID: rs746385384) and ClinVar (classified as a VUS by Invitae and Center for Medical Genetics Ghent, University of Ghent for Marfan Syndrome and Thoracic aortic aneurysm and aortic dissection). The variant was identified in control databases in 6 of 250224 chromosomes at a frequency of 0.000024 (Genome Aggregation Database Feb 27, 2017). The variant was observed in the European (non-Finnish) population in 6 of 112904 chromosomes (freq: 0.000053), but was not observed in the African, Latino, Ashkenazi Jewish, East Asian, European (Finnish), Other or South Asian populations. The p.Ser390 residue is not conserved in mammals and computational analyses (PolyPhen-2, SIFT, AlignGVGD, BLOSUM, MutationTaster) provide inconsistent predictions regarding the impact to the protein; this information is not very predictive of pathogenicity. The variant occurs outside of the splicing consensus sequence and in silico or computational prediction software programs (SpliceSiteFinder, MaxEntScan, NNSPLICE, GeneSplicer) do not predict a difference in splicing. In summary, based on the above information the clinical significance of this variant cannot be determined with certainty at this time. This variant is classified as a variant of uncertain significance.